The following is an entry in ClinVar:

NM_001453.3(FOXC1):c.784AGC[6] (p.Ser266dup)

Gene: FOXC1 (forkhead box C1; plus strand). Cytogenetic location: 6p25.3.
Variant type: Microsatellite.
Coding change: c.784AGC[6] on transcript NM_001453.3 (MANE Select); six copies in a row of the 3-base unit AGC starting at c.784; the reference has five copies in a row; one copy, 3 bases duplicated; also written c.796_798dup.
Protein change: p.Ser266dup; duplicates serine 266.
Molecular consequence: inframe insertion.
Genome position (GRCh38, 1-based): chr6:1,611,241-1,611,243, AGC duplicated; duplicating any 3 consecutive bases within chr6:1,611,228-1,611,243 gives the same sequence; the position shown is the placement nearest the transcript's 3' end. VCF-style (leftmost placement, unchanged base first): chr6-1611227-A-ACAG. GRCh37 (hg19) VCF-style: chr6-1611462-A-ACAG.
Other names: c.796_798dup (NM_001453.3).
Identifiers: ClinVar variation 1369608 (VCV001369608.9), dbSNP rs761199025, ClinGen allele CA3614821.

ClinVar aggregate classification (germline): Uncertain significance. Review status: criteria provided, multiple submitters, no conflicts (2 of 4 stars). 2 submissions from 2 submitters: Uncertain significance (2). Last evaluated 2024-02-02.

Conditions:
Anterior segment dysgenesis 3 (ASGD3). Also called: IRIDOGONIODYSGENESIS ANOMALY, AUTOSOMAL DOMINANT; Glaucoma iridogoniodysplasia, familial. Identifiers: Orphanet 91483, MedGen C5975707, MONDO:0024456, OMIM 601631.
Axenfeld-Rieger syndrome type 3 (RIEG3). Also called: AXENFELD-RIEGER ANOMALY WITH CARDIAC DEFECTS AND/OR SENSORINEURAL HEARING LOSS. Identifiers: Orphanet 782, MedGen C2678503, MONDO:0011233, OMIM 602482.

Submissions (2):

Labcorp Genetics (formerly Invitae), Labcorp
Classification: Uncertain significance for Axenfeld-Rieger syndrome type 3. Last evaluated: 2024-02-02. Review status: criteria provided, single submitter. Criteria: Invitae Variant Classification Sherloc (09022015). Collection method: clinical testing. Allele origin: germline.
Comment: This variant, c.796_798dup, results in the insertion of 1 amino acid(s) of the FOXC1 protein (p.Ser266dup), but otherwise preserves the integrity of the reading frame. This variant is present in population databases (rs764908403, gnomAD 0.02%). This variant has not been reported in the literature in individuals affected with FOXC1-related conditions. Experimental studies and prediction algorithms are not available or were not evaluated, and the functional significance of this variant is currently unknown. In summary, the available evidence is currently insufficient to determine the role of this variant in disease. Therefore, it has been classified as a Variant of Uncertain Significance.

Fulgent Genetics
Classification: Uncertain significance for Anterior segment dysgenesis 3; Axenfeld-Rieger syndrome type 3. Last evaluated: 2021-12-16. Review status: criteria provided, single submitter. Criteria: ACMG Guidelines, 2015. Collection method: clinical testing. Allele origin: unknown.